The following is an entry in ClinVar:

ClinVar aggregate classification (germline): Uncertain significance (1 of 4 stars; one submission).

Conditions:
TP63-Related Spectrum Disorders.

Allele frequency attached by ClinVar (database versions not stated): TOPMed 0.00001.
gnomAD v4.1: 29 of 1,613,978 alleles (0.0018%); highest among the groups gnomAD compares: African/African-American, 0.004%; no homozygotes.

Submission:

Labcorp Genetics (formerly Invitae), Labcorp
Classification: Uncertain significance. Last evaluated: 2024-08-04. Review status: criteria provided, single submitter. Criteria: Invitae Variant Classification Sherloc (09022015). Collection method: clinical testing. Allele origin: germline.
Comment: This sequence change replaces proline, which is neutral and non-polar, with alanine, which is neutral and non-polar, at codon 292 of the TP63 protein (p.Pro292Ala). This variant is present in population databases (rs749041260, gnomAD 0.01%). This variant has not been reported in the literature in individuals affected with TP63-related conditions. Advanced modeling of protein sequence and biophysical properties (such as structural, functional, and spatial information, amino acid conservation, physicochemical variation, residue mobility, and thermodynamic stability) performed at Invitae indicates that this missense variant is expected to disrupt TP63 protein function with a positive predictive value of 80%. In summary, the available evidence is currently insufficient to determine the role of this variant in disease. Therefore, it has been classified as a Variant of Uncertain Significance.

NM_003722.5(TP63):c.874C>G (p.Pro292Ala)

Gene: TP63 (tumor protein p63; plus strand). Cytogenetic location: 3q28.
Variant type: single nucleotide variant.
Coding change: c.874C>G on transcript NM_003722.5 (MANE Select); coding-DNA position 874, C replaced by G.
Protein change: p.Pro292Ala; replaces proline 292 with alanine.
Molecular consequence: missense variant.
Genome position (GRCh38, 1-based): chr3:189,866,789, C>G. VCF-style: chr3-189866789-C-G. GRCh37 (hg19) VCF-style: chr3-189584578-C-G.
Other names: c.874C>G, p.Pro292Ala (NM_001114978.2, NM_001114979.2, NM_001329144.2 and 1 more transcripts); c.592C>G, p.Pro198Ala (NM_001114980.2, NM_001114981.2, NM_001114982.2 and 2 more transcripts); c.337C>G, p.Pro113Ala (NM_001329146.2, NM_001329150.2); c.868C>G, p.Pro290Ala (NM_001329964.2); short protein forms P198A, P290A, P292A, P113A.
Identifiers: ClinVar variation 2732665 (VCV002732665.2), dbSNP rs749041260, ClinGen allele CA2752267.